The following is an entry in ClinVar:

NM_020821.3(VPS13C):c.5560A>G (p.Ile1854Val)

Gene: VPS13C (vacuolar protein sorting 13 homolog C; minus strand). Cytogenetic location: 15q22.2.
Variant type: single nucleotide variant.
Coding change: c.5560A>G on transcript NM_020821.3 (MANE Select); coding-DNA position 5560, A replaced by G.
Protein change: p.Ile1854Val; replaces isoleucine 1854 with valine.
Molecular consequence: missense variant.
Genome position (GRCh38, 1-based): chr15:61,940,688, T>C on the plus strand (A>G on the coding strand, the complement: VPS13C is on the minus strand). VCF-style: chr15-61940688-T-C. GRCh37 (hg19) VCF-style: chr15-62232887-T-C.
Other names: c.5560A>G, p.Ile1854Val (NM_001018088.3); c.5431A>G, p.Ile1811Val (NM_017684.5, NM_018080.4); short protein forms I1854V, I1811V.
Identifiers: ClinVar variation 1971154 (VCV001971154.5), dbSNP rs941931879, ClinGen allele CA271909750.

ClinVar aggregate classification (germline): Uncertain significance (1 of 4 stars; one submission).

Allele frequency attached by ClinVar (database versions not stated): gnomAD exomes below 0.00001; gnomAD 0.00002; TOPMed 0.00003.
gnomAD v4.1: 7 of 1,613,574 alleles (0.00043%); highest among the groups gnomAD compares: Admixed American, 0.01%; no homozygotes.

Submission:

Labcorp Genetics (formerly Invitae), Labcorp
Classification: Uncertain significance. Last evaluated: 2022-07-27. Review status: criteria provided, single submitter. Criteria: Invitae Variant Classification Sherloc (09022015). Collection method: clinical testing. Allele origin: germline.
Comment: This variant has not been reported in the literature in individuals affected with VPS13C-related conditions. This variant is present in population databases (no rsID available, gnomAD 0.006%). This sequence change replaces isoleucine, which is neutral and non-polar, with valine, which is neutral and non-polar, at codon 1854 of the VPS13C protein (p.Ile1854Val). Algorithms developed to predict the effect of missense changes on protein structure and function (SIFT, PolyPhen-2, Align-GVGD) all suggest that this variant is likely to be tolerated. In summary, the available evidence is currently insufficient to determine the role of this variant in disease. Therefore, it has been classified as a Variant of Uncertain Significance.